The following is an entry in ClinVar:

NM_000219.6(KCNE1):c.248A>G (p.Glu83Gly)

Gene: KCNE1 (potassium voltage-gated channel subfamily E regulatory subunit 1; minus strand). Cytogenetic location: 21q22.12.
Variant type: single nucleotide variant.
Coding change: c.248A>G on transcript NM_000219.6 (MANE Select); coding-DNA position 248, A replaced by G.
Protein change: p.Glu83Gly; replaces glutamic acid 83 with glycine.
Molecular consequence: missense variant.
Genome position (GRCh38, 1-based): chr21:34,449,387, T>C on the plus strand (A>G on the coding strand, the complement: KCNE1 is on the minus strand). VCF-style: chr21-34449387-T-C. GRCh37 (hg19) VCF-style: chr21-35821685-T-C.
Other names: c.248A>G, p.Glu83Gly (NM_001127668.4, NM_001127669.4, NM_001127670.4 and 4 more transcripts); short protein forms E83G.
Identifiers: ClinVar variation 3374432 (VCV003374432.2).
Genomic context (GRCh38, chr21:34,449,387, plus strand): 5'-TAGCTCTCCAGGACCCGGGCCTGGACATAGGCCTTGTCCTTCTCTTGCCAGGCATCGGAC[T>C]CGATGTAGACGTTGAATGGGTCGTTCGAGTGCTCCAGCTTCTTGGAGCGGATGTAGCTCA-3'
Protein context (NP_000210.2, residues 73-93): HSNDPFNVYI[Glu83Gly]SDAWQEKDKA

Conditions:
Long QT syndrome 5 (LQT5). Identifiers: Orphanet 101016, Orphanet 768, MedGen C1867904, MONDO:0013372, OMIM 613695.

Submission:

Roden Lab, Vanderbilt University Medical Center
No classification provided (evidence only). Condition: Long QT syndrome 5. Review status: no classification provided. Collection method: in vitro. Allele origin: not applicable. Functional consequence: Effect on ion channel function.
ClinVar note: "not provided" was previously submitted as the classification for the variant. However, the classification appeared to be based only on an observation of functional data so it was converted to no classification on 2025-07-30.